The following is an entry in ClinVar:

NM_000435.3(NOTCH3):c.3421G>A (p.Val1141Met)

Gene: NOTCH3 (notch receptor 3; minus strand). Cytogenetic location: 19p13.12.
Variant type: single nucleotide variant.
Coding change: c.3421G>A on transcript NM_000435.3 (MANE Select); coding-DNA position 3421, G replaced by A.
Protein change: p.Val1141Met; replaces valine 1141 with methionine.
Molecular consequence: missense variant.
Genome position (GRCh38, 1-based): chr19:15,179,403, C>T on the plus strand (G>A on the coding strand, the complement: NOTCH3 is on the minus strand). VCF-style: chr19-15179403-C-T. GRCh37 (hg19) VCF-style: chr19-15290214-C-T.
Other names: p.Val1141Met; short protein forms V1141M.
Identifiers: ClinVar variation 1508816 (VCV001508816.9), dbSNP rs373181668, ClinGen allele CA9263094.

ClinVar aggregate classification (germline): Likely benign. Review status: criteria provided, multiple submitters, no conflicts (2 of 4 stars). 3 submissions from 3 submitters: Likely benign (3). Last evaluated 2025-06-25.

Allele frequency attached by ClinVar (database versions not stated): ExAC 0.00006; ESP Exome Variant Server 0.00008; gnomAD 0.00009 and 0.00011; 1000 Genomes Project 30x 0.00016; TOPMed 0.00018; 1000 Genomes Project 0.00020.
gnomAD v4.1: 128 of 1,614,134 alleles (0.0079%); highest among the groups gnomAD compares: Admixed American, 0.032%; no homozygotes.

Submissions (3):

Athena Diagnostics
Classification: Likely benign. Last evaluated: 2025-06-25. Review status: criteria provided, single submitter. Criteria: Athena Diagnostics Criteria. Collection method: clinical testing. Allele origin: unknown.
Comment: The frequency of this variant in the general population is higher than would generally be expected for pathogenic variants in this gene.

Mayo Clinic Laboratories, Mayo Clinic
Classification: Likely benign. Last evaluated: 2025-06-05. Review status: criteria provided, single submitter. Criteria: ACMG Guidelines, 2015. Collection method: clinical testing. Allele origin: germline. Observed: 1 variant allele.
Comment: BS2, BP1

Labcorp Genetics (formerly Invitae), Labcorp
Classification: Likely benign. Last evaluated: 2025-04-11. Review status: criteria provided, single submitter. Criteria: Invitae Variant Classification Sherloc (09022015). Collection method: clinical testing. Allele origin: germline.

Literature cited by the submitters: PubMed 40185916 (cited by Mayo Clinic Laboratories, Mayo Clinic).